The following is an entry in ClinVar:

NM_005535.3(IL12RB1):c.1856T>C (p.Val619Ala)

Gene: IL12RB1 (interleukin 12 receptor subunit beta 1; minus strand). Cytogenetic location: 19p13.11.
Variant type: single nucleotide variant.
Coding change: c.1856T>C on transcript NM_005535.3 (MANE Select); coding-DNA position 1856, T replaced by C.
Protein change: p.Val619Ala; replaces valine 619 with alanine.
Molecular consequence: missense variant.
Genome position (GRCh38, 1-based): chr19:18,060,021, A>G on the plus strand (T>C on the coding strand, the complement: IL12RB1 is on the minus strand). VCF-style: chr19-18060021-A-G. GRCh37 (hg19) VCF-style: chr19-18170831-A-G.
Other names: c.1856T>C, p.Val619Ala (NM_001290023.2); c.1976T>C, p.Val659Ala (NM_001290024.2); short protein forms V619A, V659A.
Identifiers: ClinVar variation 1025232 (VCV001025232.8), dbSNP rs2034011395, ClinGen allele CA404775321.

ClinVar aggregate classification (germline): Uncertain significance (1 of 4 stars; one submission).

Conditions:
Mendelian susceptibility to mycobacterial diseases due to complete IL12RB1 deficiency. Also called: IL12RB1 DEFICIENCY; Immunodeficiency 30. Identifiers: Orphanet 319552, MedGen C4013949, MONDO:0013955, OMIM 614891.

Submission:

Labcorp Genetics (formerly Invitae), Labcorp
Classification: Uncertain significance for Mendelian susceptibility to mycobacterial diseases due to complete IL12RB1 deficiency. Last evaluated: 2022-07-12. Review status: criteria provided, single submitter. Criteria: Invitae Variant Classification Sherloc (09022015). Collection method: clinical testing. Allele origin: germline.
Comment: In summary, the available evidence is currently insufficient to determine the role of this variant in disease. Therefore, it has been classified as a Variant of Uncertain Significance. Algorithms developed to predict the effect of missense changes on protein structure and function (SIFT, PolyPhen-2, Align-GVGD) all suggest that this variant is likely to be disruptive. ClinVar contains an entry for this variant (Variation ID: 1025232). This variant has not been reported in the literature in individuals affected with IL12RB1-related conditions. This variant is not present in population databases (gnomAD no frequency). This sequence change replaces valine, which is neutral and non-polar, with alanine, which is neutral and non-polar, at codon 619 of the IL12RB1 protein (p.Val619Ala).